The following is an entry in ClinVar:

ClinVar aggregate classification (germline): Uncertain significance (1 of 4 stars; one submission).

Allele frequency attached by ClinVar (database versions not stated): gnomAD exomes 0.00001 and 0.00004; gnomAD 0.00002; TOPMed 0.00002; ExAC 0.00007.
gnomAD v4.1: 12 of 1,596,428 alleles (0.00075%); highest among the groups gnomAD compares: East Asian, 0.027%; no homozygotes.

Submission:

Labcorp Genetics (formerly Invitae), Labcorp
Classification: Uncertain significance. Last evaluated: 2025-04-14. Review status: criteria provided, single submitter. Criteria: Invitae Variant Classification Sherloc (09022015). Collection method: clinical testing. Allele origin: germline.
Comment: This sequence change replaces glutamic acid, which is acidic and polar, with lysine, which is basic and polar, at codon 63 of the POLE2 protein (p.Glu63Lys). The frequency data for this variant in the population databases is considered unreliable, as metrics indicate poor data quality at this position in the gnomAD database. This variant has not been reported in the literature in individuals affected with POLE2-related conditions. ClinVar contains an entry for this variant (Variation ID: 1361387). An algorithm developed to predict the effect of missense changes on protein structure and function (PolyPhen-2) suggests that this variant is likely to be disruptive. In summary, the available evidence is currently insufficient to determine the role of this variant in disease. Therefore, it has been classified as a Variant of Uncertain Significance.

NM_002692.4(POLE2):c.187G>A (p.Glu63Lys)

Gene: POLE2 (DNA polymerase epsilon 2, accessory subunit; minus strand). Cytogenetic location: 14q21.3.
Variant type: single nucleotide variant.
Coding change: c.187G>A on transcript NM_002692.4 (MANE Select); coding-DNA position 187, G replaced by A.
Protein change: p.Glu63Lys; replaces glutamic acid 63 with lysine.
Molecular consequence: missense variant. On other transcripts: 5 prime UTR variant (1).
Genome position (GRCh38, 1-based): chr14:49,679,783, C>T on the plus strand (G>A on the coding strand, the complement: POLE2 is on the minus strand). VCF-style: chr14-49679783-C-T. GRCh37 (hg19) VCF-style: chr14-50146501-C-T.
Other names: c.187G>A, p.Glu63Lys (NM_001197330.2, NM_001197331.3, NM_001348384.2); c.-49G>A (NM_001348385.2); short protein forms E63K.
Identifiers: ClinVar variation 1361387 (VCV001361387.6), dbSNP rs55817802, ClinGen allele CA7173714.